The following is an entry in ClinVar:

NM_000742.4(CHRNA2):c.383G>A (p.Gly128Asp)

Gene: CHRNA2 (cholinergic receptor nicotinic alpha 2 subunit; minus strand). Cytogenetic location: 8p21.2.
Variant type: single nucleotide variant.
Coding change: c.383G>A on transcript NM_000742.4 (MANE Select); coding-DNA position 383, G replaced by A.
Protein change: p.Gly128Asp; replaces glycine 128 with aspartic acid.
Molecular consequence: missense variant. On other transcripts: 5 prime UTR variant (4).
Genome position (GRCh38, 1-based): chr8:27,467,295, C>T on the plus strand (G>A on the coding strand, the complement: CHRNA2 is on the minus strand). VCF-style: chr8-27467295-C-T. GRCh37 (hg19) VCF-style: chr8-27324812-C-T.
Other names: p.G128D:GGC>GAC; c.338G>A, p.Gly113Asp (NM_001282455.2); c.-90G>A (NM_001347705.2, NM_001347706.2); c.-76G>A (NM_001347707.2); c.-79G>A (NM_001347708.2); short protein forms G128D, G113D.
Identifiers: ClinVar variation 197689 (VCV000197689.43), dbSNP rs138682847, ClinGen allele CA245963.

ClinVar aggregate classification (germline): Conflicting classifications of pathogenicity. Review status: criteria provided, conflicting classifications (1 of 4 stars). 8 submissions from 8 submitters: Uncertain significance (2); Benign (1); Likely benign (5). Last evaluated 2026-05-15.

Conditions:
CHRNA2-related disorder. Also called: CHRNA2-related condition.
Familial sleep-related hypermotor epilepsy. Also called: Autosomal Dominant Sleep-Related Hypermotor (Hyperkinetic) Epilepsy. Identifiers: Orphanet 98784, MedGen C3696898, MONDO:0000030.
Inborn genetic diseases. Identifiers: MedGen C0950123, MeSH D030342.
Autosomal dominant nocturnal frontal lobe epilepsy 4. Also called: CHRNA2-Related Nocturnal Frontal Lobe Epilepsy, Autosomal Dominant; EPILEPSY, FAMILIAL, WITH NOCTURNAL WANDERING AND ICTAL FEAR. Identifiers: Orphanet 98784, MedGen C1835905, MONDO:0012474, OMIM 610353.

Allele frequency attached by ClinVar (database versions not stated): gnomAD exomes 0.00004 and 0.00011; ExAC 0.00013; ESP Exome Variant Server 0.00046; gnomAD 0.00053 and 0.00058; TOPMed 0.00071; 1000 Genomes Project 0.00080; 1000 Genomes Project 30x 0.00094.
gnomAD v4.1: 145 of 1,614,046 alleles (0.009%); highest among the groups gnomAD compares: African/African-American, 0.13%; no homozygotes.

Submissions (8):

PreventionGenetics, part of Exact Sciences
Classification: Likely benign for CHRNA2-related condition. Last evaluated: 2026-05-15. Review status: criteria provided, single submitter. Criteria: ACMG Guidelines, 2015. Collection method: clinical testing. Allele origin: germline.
Comment: This variant is classified as likely benign based on ACMG/AMP sequence variant interpretation guidelines (Richards et al. 2015 PMID: 25741868, with internal and published modifications).

Labcorp Genetics (formerly Invitae), Labcorp
Classification: Likely benign. Last evaluated: 2025-12-19. Review status: criteria provided, single submitter. Criteria: Invitae Variant Classification Sherloc (09022015). Collection method: clinical testing. Allele origin: germline.

Ambry Genetics
Classification: Likely benign for Inborn genetic diseases. Last evaluated: 2025-08-23. Review status: criteria provided, single submitter. Criteria: Ambry Variant Classification Scheme 2023. Collection method: clinical testing. Allele origin: germline.

CeGaT Center for Human Genetics Tuebingen
Classification: Likely benign. Last evaluated: 2024-08-01. Review status: criteria provided, single submitter. Criteria: CeGaT Center For Human Genetics Tuebingen Variant Classification Criteria Version 2. Collection method: clinical testing. Allele origin: germline. Affected: yes. Observed: 1 variant allele.
Comment: CHRNA2: BS1

Revvity Omics, Revvity
Classification: Uncertain significance for Autosomal dominant nocturnal frontal lobe epilepsy 4. Last evaluated: 2023-03-09. Review status: criteria provided, single submitter. Criteria: ACMG Guidelines, 2015. Collection method: clinical testing. Allele origin: germline.

GeneDx
Classification: Benign. Last evaluated: 2019-10-25. Review status: criteria provided, single submitter. Criteria: GeneDx Variant Classification Process June 2021. Collection method: clinical testing. Allele origin: germline. Affected: yes.

Athena Diagnostics
Classification: Likely benign. Last evaluated: 2017-05-26. Review status: criteria provided, single submitter. Criteria: Athena Diagnostics Criteria. Collection method: clinical testing. Allele origin: germline.

Eurofins Ntd Llc (ga)
Classification: Uncertain significance. Last evaluated: 2015-06-05. Review status: criteria provided, single submitter. Criteria: EGL Classification Definitions 2015. Collection method: clinical testing. Allele origin: germline. Observed: 4 variant alleles, 4 heterozygotes.